The following is an entry in ClinVar:

ClinVar aggregate classification (germline): Uncertain significance. Review status: criteria provided, multiple submitters, no conflicts (2 of 4 stars). 2 submissions from 2 submitters: Uncertain significance (2). Last evaluated 2025-02-28.

Conditions:
Inborn genetic diseases. Identifiers: MedGen C0950123, MeSH D030342.

gnomAD v4.1: 72 of 1,613,964 alleles (0.0045%); highest among the groups gnomAD compares: Non-Finnish European, 0.0058%; no homozygotes.

Submissions (2):

Ambry Genetics
Classification: Uncertain significance for Inborn genetic diseases. Last evaluated: 2025-02-28. Review status: criteria provided, single submitter. Criteria: Ambry Variant Classification Scheme 2023. Collection method: clinical testing. Allele origin: germline.

Labcorp Genetics (formerly Invitae), Labcorp
Classification: Uncertain significance. Last evaluated: 2024-09-09. Review status: criteria provided, single submitter. Criteria: Invitae Variant Classification Sherloc (09022015). Collection method: clinical testing. Allele origin: germline.
Comment: This sequence change replaces leucine, which is neutral and non-polar, with proline, which is neutral and non-polar, at codon 1599 of the LTBP2 protein (p.Leu1599Pro). This variant is present in population databases (rs761153080, gnomAD 0.003%). This variant has not been reported in the literature in individuals affected with LTBP2-related conditions. An algorithm developed to predict the effect of missense changes on protein structure and function (PolyPhen-2) suggests that this variant is likely to be disruptive. In summary, the available evidence is currently insufficient to determine the role of this variant in disease. Therefore, it has been classified as a Variant of Uncertain Significance.

NM_000428.3(LTBP2):c.4796T>C (p.Leu1599Pro)

Gene: LTBP2 (latent transforming growth factor beta binding protein 2; minus strand). Cytogenetic location: 14q24.3.
Variant type: single nucleotide variant.
Coding change: c.4796T>C on transcript NM_000428.3 (MANE Select); coding-DNA position 4796, T replaced by C.
Protein change: p.Leu1599Pro; replaces leucine 1599 with proline.
Molecular consequence: missense variant.
Genome position (GRCh38, 1-based): chr14:74,503,311, A>G on the plus strand (T>C on the coding strand, the complement: LTBP2 is on the minus strand). VCF-style: chr14-74503311-A-G. GRCh37 (hg19) VCF-style: chr14-74970014-A-G.
Other names: c.4796T>C (NM_000428.2); short protein forms L1599P.
Identifiers: ClinVar variation 3719553 (VCV003719553.2).